The following is an entry in ClinVar:

NM_032888.4(COL27A1):c.5293A>C (p.Ile1765Leu)

Gene: COL27A1 (collagen type XXVII alpha 1 chain; plus strand). Cytogenetic location: 9q32.
Variant type: single nucleotide variant.
Coding change: c.5293A>C on transcript NM_032888.4 (MANE Select); coding-DNA position 5293, A replaced by C.
Protein change: p.Ile1765Leu; replaces isoleucine 1765 with leucine.
Molecular consequence: missense variant.
Genome position (GRCh38, 1-based): chr9:114,309,335, A>C. VCF-style: chr9-114309335-A-C. GRCh37 (hg19) VCF-style: chr9-117071615-A-C.
Other names: c.5293A>C (NM_032888.2); short protein forms I1765L.
Identifiers: ClinVar variation 2074967 (VCV002074967.6), dbSNP rs147387453, ClinGen allele CA5203382.

ClinVar aggregate classification (germline): Conflicting classifications of pathogenicity. Review status: criteria provided, conflicting classifications (1 of 4 stars). 3 submissions from 3 submitters: Uncertain significance (2); Likely benign (1). Last evaluated 2025-06-11.

Conditions:
Inborn genetic diseases. Identifiers: MedGen C0950123, MeSH D030342.

Allele frequency attached by ClinVar (database versions not stated): ExAC 0.00006; 1000 Genomes Project 30x 0.00016; TOPMed 0.00018; 1000 Genomes Project 0.00020; gnomAD 0.00025; ESP Exome Variant Server 0.00031.
gnomAD v4.1: 69 of 1,614,126 alleles (0.0043%); highest among the groups gnomAD compares: African/African-American, 0.08%; no homozygotes.

Submissions (3):

Labcorp Genetics (formerly Invitae), Labcorp
Classification: Likely benign. Last evaluated: 2025-06-11. Review status: criteria provided, single submitter. Criteria: Invitae Variant Classification Sherloc (09022015). Collection method: clinical testing. Allele origin: germline.

Ambry Genetics
Classification: Uncertain significance for Inborn genetic diseases. Last evaluated: 2024-10-12. Review status: criteria provided, single submitter. Criteria: Ambry Variant Classification Scheme 2023. Collection method: clinical testing. Allele origin: germline.

GeneDx
Classification: Uncertain significance. Last evaluated: 2023-05-16. Review status: criteria provided, single submitter. Criteria: GeneDx Variant Classification Process June 2021. Collection method: clinical testing. Allele origin: germline. Affected: yes.
Comment: In silico analysis supports that this missense variant does not alter protein structure/function; Has not been previously published as pathogenic or benign to our knowledge